The following is an entry in ClinVar:

ClinVar aggregate classification (germline): Uncertain significance (1 of 4 stars; one submission).

Submission:

Labcorp Genetics (formerly Invitae), Labcorp
Classification: Uncertain significance. Last evaluated: 2024-06-28. Review status: criteria provided, single submitter. Criteria: Invitae Variant Classification Sherloc (09022015). Collection method: clinical testing. Allele origin: germline.
Comment: This sequence change replaces phenylalanine, which is neutral and non-polar, with leucine, which is neutral and non-polar, at codon 288 of the NCSTN protein (p.Phe288Leu). This variant is not present in population databases (gnomAD no frequency). This variant has not been reported in the literature in individuals affected with NCSTN-related conditions. Advanced modeling of protein sequence and biophysical properties (such as structural, functional, and spatial information, amino acid conservation, physicochemical variation, residue mobility, and thermodynamic stability) performed at Invitae indicates that this missense variant is expected to disrupt NCSTN protein function with a positive predictive value of 80%. In summary, the available evidence is currently insufficient to determine the role of this variant in disease. Therefore, it has been classified as a Variant of Uncertain Significance.

NM_015331.3(NCSTN):c.864C>A (p.Phe288Leu)

Gene: NCSTN (nicastrin; plus strand). Cytogenetic location: 1q23.2.
Variant type: single nucleotide variant.
Coding change: c.864C>A on transcript NM_015331.3 (MANE Select); coding-DNA position 864, C replaced by A.
Protein change: p.Phe288Leu; replaces phenylalanine 288 with leucine.
Molecular consequence: missense variant. On other transcripts: intron variant (1).
Genome position (GRCh38, 1-based): chr1:160,352,074, C>A. VCF-style: chr1-160352074-C-A. GRCh37 (hg19) VCF-style: chr1-160321864-C-A.
Other names: c.804C>A, p.Phe268Leu (NM_001290184.2); c.864C>A, p.Phe288Leu (NM_001349729.2); c.583-813C>A (NM_001290186.2); short protein forms F268L, F288L.
Identifiers: ClinVar variation 3658125 (VCV003658125.2).
Genomic context (GRCh38, chr1:160,352,074, plus strand): 5'-TAAAGTATATATCCCCTGACTTTTCTTCTGTTGTACCTAGCTGGATAGTCGTTCCTTTTT[C>A]TGGAATGTGGCCCCAGGGGCTGAAAGCGCAGTGGCTTCCTTTGTCACCCAGCTGGCTGCT-3'
Protein context (NP_056146.1, residues 278-298): AATRLDSRSF[Phe288Leu]WNVAPGAESA